The following is an entry in ClinVar:

NM_016203.4(PRKAG2):c.1051+6C>G

Gene: PRKAG2 (protein kinase AMP-activated non-catalytic subunit gamma 2; minus strand). Cytogenetic location: 7q36.1.
Variant type: single nucleotide variant.
Coding change: c.1051+6C>G on transcript NM_016203.4 (MANE Select); 6 bases into the intron after coding-DNA position 1051, C replaced by G.
Molecular consequence: intron variant.
Genome position (GRCh38, 1-based): chr7:151,572,658, G>C on the plus strand (C>G on the coding strand, the complement: PRKAG2 is on the minus strand). VCF-style: chr7-151572658-G-C. GRCh37 (hg19) VCF-style: chr7-151269744-G-C.
Other names: c.760+6C>G (NM_001407031.1); c.763+6C>G (NM_001407030.1); c.1048+6C>G (NM_001407023.1, NM_001407022.1); c.1051+6C>G (NM_001407021.1); c.733+6C>G (NM_001407032.1); c.916+6C>G (NM_001407026.1, NM_001407027.1); c.919+6C>G (NM_001040633.2, NM_001407024.1); c.727+6C>G (NM_001407033.1); and 6 more.
Identifiers: ClinVar variation 2850387 (VCV002850387.3), dbSNP rs1473072861, ClinGen allele CA578732901.
Genomic context (GRCh38, chr7:151,572,658, plus strand): 5'-CATACTTTTCATACTAAACATAGCTTTCCCGATACTAAAAGATTTTAAACATCCAATAGT[G>C]CTTACCCCTCCATGTTTCAATTTTATGTTCCTCTAATTCATAAATCTGTACCTGCAAATA-3'

ClinVar aggregate classification (germline): Uncertain significance (1 of 4 stars; one submission).

Conditions:
Lethal congenital glycogen storage disease of heart. Also called: GLYCOGEN STORAGE DISEASE OF HEART; PHOSPHORYLASE KINASE DEFICIENCY OF HEART. Identifiers: Orphanet 439854, MedGen C1849813, MONDO:0009867, OMIM 261740.

Allele frequency attached by ClinVar (database versions not stated): gnomAD exomes below 0.00001.

Submission:

Labcorp Genetics (formerly Invitae), Labcorp
Classification: Uncertain significance for Lethal congenital glycogen storage disease of heart. Last evaluated: 2025-10-04. Review status: criteria provided, single submitter. Criteria: Invitae Variant Classification Sherloc (09022015). Collection method: clinical testing. Allele origin: germline.
Comment: This sequence change falls in intron 9 of the PRKAG2 gene. It does not directly change the encoded amino acid sequence of the PRKAG2 protein. It affects a nucleotide within the consensus splice site. The frequency data for this variant in the population databases is considered unreliable, as metrics indicate poor data quality at this position in the gnomAD database. This variant has not been reported in the literature in individuals affected with PRKAG2-related conditions. ClinVar contains an entry for this variant (Variation ID: 2850387). Variants that disrupt the consensus splice site are a relatively common cause of aberrant splicing (PMID: 17576681, 9536098). Algorithms developed to predict the effect of sequence changes on RNA splicing suggest that this variant is not likely to affect RNA splicing. In summary, the available evidence is currently insufficient to determine the role of this variant in disease. Therefore, it has been classified as a Variant of Uncertain Significance.

Literature cited by the submitters: PubMed 17576681; PubMed 9536098.